The following is an entry in ClinVar:

ClinVar aggregate classification (germline): Pathogenic/Likely pathogenic. Review status: criteria provided, multiple submitters, no conflicts (2 of 4 stars). 5 submissions from 5 submitters: Pathogenic (2); Likely pathogenic (1). 2 of the submissions do not count toward it. Last evaluated 2026-04-06.

Conditions:
Focal segmental glomerulosclerosis 7 (FSGS7). Identifiers: Orphanet 656, MedGen C4014925, MONDO:0014451, OMIM 616002.
Autosomal recessive Alport syndrome (ATS2). Also called: COL4A4 Alport Syndrome and Thin Basement Membrane Nephropathy; COL4A3-Related Nephropathy; ALPORT SYNDROME 2, AUTOSOMAL RECESSIVE; Alport syndrome type 2. Identifiers: Orphanet 63, Orphanet 88919, MedGen C4746745, MONDO:0008762, OMIM 203780.
Hematuria, benign familial, 1 (BFH1). Also called: THIN MEMBRANE NEPHROPATHY. Identifiers: MedGen CN376803, MONDO:0007709, OMIM 141200.

Submissions (5):

Molecular Lab, University of Sulaimaniyah
Classification: Pathogenic for Focal segmental glomerulosclerosis 7. Last evaluated: 2026-04-06. Review status: criteria provided, single submitter. Criteria: ACMG Guidelines, 2015. Collection method: research. Allele origin: germline. Inheritance: Autosomal dominant inheritance. Affected: yes. Observed: 1 variant allele, 1 homozygote.
Comment: This variant was classified using the ACMG/AMP 2015 framework (PMID:25741868). PVS1 was applied because COL4A4 c.4760delC is predicted to cause a frameshift and premature termination. PM2 was considered because the variant is rare in population databases (<0.01%). PP4 was used as supporting case-level evidence because the variant was observed in an affected individual from a biopsy-proven focal segmental glomerulosclerosis cohort. As internal case-level support, the variant was observed in 1 affected individual(s) among 35 individuals tested, including 1 homozygote. No functional assay evidence is submitted. Overall, the submitted evidence supported a Pathogenic classification.

Fulgent Genetics
Classification: Likely pathogenic for Hematuria, benign familial, 1; Autosomal recessive Alport syndrome. Last evaluated: 2024-03-02. Review status: criteria provided, single submitter. Criteria: ACMG Guidelines, 2015. Collection method: clinical testing. Allele origin: germline.

Labcorp Genetics (formerly Invitae), Labcorp
Classification: Pathogenic. Last evaluated: 2023-05-17. Review status: criteria provided, single submitter. Criteria: Invitae Variant Classification Sherloc (09022015). Collection method: clinical testing. Allele origin: germline.
Comment: For these reasons, this variant has been classified as Pathogenic. This variant disrupts a region of the COL4A4 protein in which other variant(s) (p.Cys1683Tyr) have been determined to be pathogenic (PMID: 26809805; Invitae). This suggests that this is a clinically significant region of the protein, and that variants that disrupt it are likely to be disease-causing. ClinVar contains an entry for this variant (Variation ID: 551963). This variant has not been reported in the literature in individuals affected with COL4A4-related conditions. This variant is not present in population databases (gnomAD no frequency). This sequence change creates a premature translational stop signal (p.Pro1587Hisfs*16) in the COL4A4 gene. While this is not anticipated to result in nonsense mediated decay, it is expected to disrupt the last 104 amino acid(s) of the COL4A4 protein.

Gharavi Laboratory, Columbia University
Classification: Likely pathogenic. Last evaluated: 2018-09-16. Review status: no assertion criteria provided. Criteria: ACMG Guidelines, 2015. Collection method: research. Allele origin: germline. Affected: yes. Not counted in ClinVar's aggregate classification.

Counsyl
Classification: Likely pathogenic for Autosomal recessive Alport syndrome. Last evaluated: 2017-05-12. Review status: no assertion criteria provided. Collection method: clinical testing. Allele origin: unknown. Not counted in ClinVar's aggregate classification.

Literature cited by the submitters: PubMed 26809805 (cited by Labcorp Genetics (formerly Invitae), Labcorp).

NM_000092.5(COL4A4):c.4760del (p.Pro1587fs)

Gene: COL4A4 (collagen type IV alpha 4 chain; minus strand). Cytogenetic location: 2q36.3.
Variant type: Deletion.
Coding change: c.4760del on transcript NM_000092.5 (MANE Select); coding-DNA position 4760, one base deleted (C; older notation c.4760delC).
Protein change: p.Pro1587fs; shifts the reading frame from proline 1587.
Molecular consequence: frameshift variant.
Genome position (GRCh38, 1-based): chr2:227,008,067, G deleted on the plus strand (C on the coding strand, the reverse complement: COL4A4 is on the minus strand); the first of 6 consecutive G bases (chr2:227,008,067-227,008,072); deleting any one gives the same sequence. VCF-style (leftmost placement, unchanged base first): chr2-227008066-TG-T. GRCh37 (hg19) VCF-style: chr2-227872782-TG-T.
Other names: c.4760delC (NM_000092.5, NM_000092.4); short protein forms P1587fs.
Identifiers: ClinVar variation 551963 (VCV000551963.7), dbSNP rs1206142672, ClinGen allele CA658821837.